The following is an entry in ClinVar:

ClinVar aggregate classification (germline): Uncertain significance (1 of 4 stars; one submission).

Conditions:
Perlman syndrome (PRLMNS). Identifiers: Orphanet 2849, MedGen C0796113, MONDO:0009965, OMIM 267000.

Allele frequency attached by ClinVar (database versions not stated): gnomAD exomes below 0.00001.
gnomAD v4.1: 1 of 1,612,926 alleles (0.000062%); highest among the groups gnomAD compares: Non-Finnish European, 0.000085%; no homozygotes.

Submission:

Labcorp Genetics (formerly Invitae), Labcorp
Classification: Uncertain significance for Perlman syndrome. Last evaluated: 2019-08-09. Review status: criteria provided, single submitter. Criteria: Invitae Variant Classification Sherloc (09022015). Collection method: clinical testing. Allele origin: germline.
Comment: In summary, the available evidence is currently insufficient to determine the role of this variant in disease. Therefore, it has been classified as a Variant of Uncertain Significance. Algorithms developed to predict the effect of missense changes on protein structure and function (SIFT, PolyPhen-2, Align-GVGD) all suggest that this variant is likely to be disruptive, but these predictions have not been confirmed by published functional studies and their clinical significance is uncertain. This variant has not been reported in the literature in individuals with DIS3L2-related conditions. This variant is not present in population databases (ExAC no frequency). This sequence change replaces proline with leucine at codon 611 of the DIS3L2 protein (p.Pro611Leu). The proline residue is highly conserved and there is a moderate physicochemical difference between proline and leucine.

NM_152383.5(DIS3L2):c.1832C>T (p.Pro611Leu)

Gene: DIS3L2 (DIS3 like 3'-5' exoribonuclease 2; plus strand). Cytogenetic location: 2q37.1.
Variant type: single nucleotide variant.
Coding change: c.1832C>T on transcript NM_152383.5 (MANE Select); coding-DNA position 1832, C replaced by T.
Protein change: p.Pro611Leu; replaces proline 611 with leucine.
Molecular consequence: missense variant. On other transcripts: non-coding transcript variant (2), intron variant (1).
Genome position (GRCh38, 1-based): chr2:232,329,905, C>T. VCF-style: chr2-232329905-C-T. GRCh37 (hg19) VCF-style: chr2-233194615-C-T.
Other names: c.1582-13440C>T (NM_001257281.2); short protein forms P611L.
Identifiers: ClinVar variation 941396 (VCV000941396.9), dbSNP rs1695685236, ClinGen allele CA350976111.
Genomic context (GRCh38, chr2:232,329,905, plus strand): 5'-TGGCAGTGGCCCACAAGATCCACCGCGCCTTCCCCGAGCAGGCCCTGCTGCGCCGGCACC[C>T]CCCGCCCCAAACAAGGATGCTCAGTGACCTGGTGGAATTCTGCGACCAGATGGGGCTGCC-3'
Protein context (NP_689596.4, residues 601-621): FPEQALLRRH[Pro611Leu]PPQTRMLSDL